The following is an entry in ClinVar:

NM_000501.4(ELN):c.*636G>A

Gene: ELN (elastin; plus strand). Cytogenetic location: 7q11.23.
Variant type: single nucleotide variant.
Coding change: c.*636G>A on transcript NM_000501.4 (MANE Select); 636 bases downstream of the stop codon, G replaced by A.
Molecular consequence: 3 prime UTR variant.
Genome position (GRCh38, 1-based): chr7:74,069,336, G>A. VCF-style: chr7-74069336-G-A. GRCh37 (hg19) VCF-style: chr7-73483666-G-A.
Other names: c.*636G>A (NM_001081752.3, NM_001081753.3, NM_001081754.3 and 9 more transcripts).
Identifiers: ClinVar variation 360676 (VCV000360676.5), dbSNP rs533779578, ClinGen allele CA10629424.

ClinVar aggregate classification (germline): Benign. Review status: criteria provided, single submitter (1 of 4 stars). 2 submissions from 1 submitter: Benign (2). Last evaluated 2018-01-12.

Conditions:
Cutis laxa, autosomal dominant 1 (ADCL1). Also called: ELN-Related Cutis Laxa. Identifiers: Orphanet 90348, MedGen C3276539, MONDO:0007411, OMIM 123700. Disease mechanism: Dominant Negative.
Supravalvar aortic stenosis (SVAS). Also called: Supravalvar aortic stenosis, Eisenberg type. Identifiers: Orphanet 3193, MedGen C0003499, MONDO:0008504, OMIM 185500, HP:0004381.

Allele frequency attached by ClinVar (database versions not stated): gnomAD below 0.00001 and 0.00006; gnomAD exomes 0.00001; TOPMed 0.00001; 1000 Genomes Project 30x 0.00031; 1000 Genomes Project 0.00040.
gnomAD v4.1: 10 of 235,534 alleles (0.0042%); highest among the groups gnomAD compares: South Asian, 0.16%; no homozygotes.

Submissions (2):

Illumina Laboratory Services, Illumina
Classification: Benign for Cutis laxa, autosomal dominant 1. Last evaluated: 2018-01-12. Review status: criteria provided, single submitter. Criteria: ICSL Variant Classification Criteria 13 December 2019. Collection method: clinical testing. Allele origin: germline.
Comment: This variant was observed in the ICSL laboratory as part of a predisposition screen in an ostensibly healthy population. It had not been previously curated by ICSL or reported in the Human Gene Mutation Database (HGMD: prior to June 1st, 2018), and was therefore a candidate for classification through an automated scoring system. Utilizing variant allele frequency, disease prevalence and penetrance estimates, and inheritance mode, an automated score was calculated to assess if this variant is too frequent to cause the disease. Based on the score and internal cut-off values, a variant classified as benign is not then subjected to further curation. The score for this variant resulted in a classification of benign for this disease.

Illumina Laboratory Services, Illumina
Classification: Benign for Supravalvar aortic stenosis. Last evaluated: 2018-01-12. Review status: criteria provided, single submitter. Criteria: ICSL Variant Classification Criteria 13 December 2019. Collection method: clinical testing. Allele origin: germline.
Comment: the same text as in the submission from Illumina Laboratory Services, Illumina above.